The following is an entry in ClinVar:

ClinVar aggregate classification (germline): Uncertain significance (1 of 4 stars; one submission).

Allele frequency attached by ClinVar (database versions not stated): gnomAD 0.00001; gnomAD exomes 0.00001; TOPMed 0.00002.
gnomAD v4.1: 26 of 1,551,514 alleles (0.0017%); highest among the groups gnomAD compares: Middle Eastern, 0.017%; no homozygotes.

Submission:

Labcorp Genetics (formerly Invitae), Labcorp
Classification: Uncertain significance. Last evaluated: 2024-10-28. Review status: criteria provided, single submitter. Criteria: Invitae Variant Classification Sherloc (09022015). Collection method: clinical testing. Allele origin: germline.
Comment: This sequence change replaces lysine, which is basic and polar, with arginine, which is basic and polar, at codon 152 of the IFT88 protein (p.Lys152Arg). This variant is present in population databases (no rsID available, gnomAD 0.003%). This variant has not been reported in the literature in individuals affected with IFT88-related conditions. ClinVar contains an entry for this variant (Variation ID: 1907421). An algorithm developed to predict the effect of missense changes on protein structure and function (PolyPhen-2) suggests that this variant is likely to be tolerated. In summary, the available evidence is currently insufficient to determine the role of this variant in disease. Therefore, it has been classified as a Variant of Uncertain Significance.

NM_006531.5(IFT88):c.428A>G (p.Lys143Arg)

Gene: IFT88 (intraflagellar transport 88; plus strand). Cytogenetic location: 13q12.11.
Variant type: single nucleotide variant.
Coding change: c.428A>G on transcript NM_006531.5 (MANE Select); coding-DNA position 428, A replaced by G.
Protein change: p.Lys143Arg; replaces lysine 143 with arginine.
Molecular consequence: missense variant. On other transcripts: 5 prime UTR variant (1), non-coding transcript variant (5).
Genome position (GRCh38, 1-based): chr13:20,596,179, A>G. VCF-style: chr13-20596179-A-G. GRCh37 (hg19) VCF-style: chr13-21170318-A-G.
Other names: c.371A>G, p.Lys124Arg (NM_001318491.2, NM_001353573.2, NM_001353574.2 and 1 more transcripts); c.455A>G, p.Lys152Arg (NM_001318493.2, NM_001353565.2, NM_001353566.2 and 6 more transcripts); c.428A>G, p.Lys143Arg (NM_001353568.2, NM_001353571.2, NM_001353572.2 and 1 more transcripts); c.-206A>G (NM_001353579.2); short protein forms K124R, K143R, K152R.
Identifiers: ClinVar variation 1907421 (VCV001907421.5), dbSNP rs1007504839, ClinGen allele CA246520175.